The following is an entry in ClinVar:

ClinVar aggregate classification (germline): Uncertain significance (1 of 4 stars; one submission).

Conditions:
Very long chain acyl-CoA dehydrogenase deficiency (ACADVLD). Also called: VLCAD Deficiency; Very Long-Chain Acyl-Coenzyme A Dehydrogenase Deficiency. Identifiers: Orphanet 26793, MedGen C3887523, MONDO:0008723, OMIM 201475.

Submission:

Labcorp Genetics (formerly Invitae), Labcorp
Classification: Uncertain significance for Very long chain acyl-CoA dehydrogenase deficiency. Last evaluated: 2018-05-21. Review status: criteria provided, single submitter. Criteria: Invitae Variant Classification Sherloc (09022015). Collection method: clinical testing. Allele origin: germline.
Comment: This sequence change replaces leucine with proline at codon 589 of the ACADVL protein (p.Leu589Pro). The leucine residue is moderately conserved and there is a moderate physicochemical difference between leucine and proline. This variant is not present in population databases (ExAC no frequency). This variant has not been reported in the literature in individuals with ACADVL-related disease. Algorithms developed to predict the effect of missense changes on protein structure and function are either unavailable or do not agree on the potential impact of this missense change (SIFT: "Deleterious"; PolyPhen-2: "Probably Damaging"; Align-GVGD: "Class C0"). In summary, the available evidence is currently insufficient to determine the role of this variant in disease. Therefore, it has been classified as a Variant of Uncertain Significance.

NM_000018.4(ACADVL):c.1766T>C (p.Leu589Pro)

Gene: ACADVL (acyl-CoA dehydrogenase very long chain; plus strand). Cytogenetic location: 17p13.1.
Variant type: single nucleotide variant.
Coding change: c.1766T>C on transcript NM_000018.4 (MANE Select); coding-DNA position 1766, T replaced by C.
Protein change: p.Leu589Pro; replaces leucine 589 with proline.
Molecular consequence: missense variant.
Genome position (GRCh38, 1-based): chr17:7,224,823, T>C. VCF-style: chr17-7224823-T-C. GRCh37 (hg19) VCF-style: chr17-7128142-T-C.
Other names: c.1700T>C, p.Leu567Pro (NM_001033859.3); c.1835T>C, p.Leu612Pro (NM_001270447.2); c.1538T>C, p.Leu513Pro (NM_001270448.2); short protein forms L589P, L513P, L612P, L567P.
Identifiers: ClinVar variation 578453 (VCV000578453.8), dbSNP rs1567569494, ClinGen allele CA397725834.